The following is an entry in ClinVar:

ClinVar aggregate classification (germline): Uncertain significance (1 of 4 stars; one submission).

Conditions:
Anophthalmia-microphthalmia syndrome. Also called: Anophthalmia - microphthalmia; Anophthalmia/Microphthalmia. Identifiers: Orphanet 98555, MedGen C5680330, MONDO:0020147.

Allele frequency attached by ClinVar (database versions not stated): TOPMed below 0.00001; gnomAD 0.00001; gnomAD exomes 0.00001 and 0.00004; ExAC 0.00002.
gnomAD v4.1: 18 of 1,613,988 alleles (0.0011%); highest among the groups gnomAD compares: Non-Finnish European, 0.00017%; no homozygotes.

Submission:

Labcorp Genetics (formerly Invitae), Labcorp
Classification: Uncertain significance for Anophthalmia-microphthalmia syndrome. Last evaluated: 2020-07-28. Review status: criteria provided, single submitter. Criteria: Invitae Variant Classification Sherloc (09022015). Collection method: clinical testing. Allele origin: germline.
Comment: This variant is present in population databases (rs200990681, ExAC 0.004%). In summary, the available evidence is currently insufficient to determine the role of this variant in disease. Therefore, it has been classified as a Variant of Uncertain Significance. This variant disrupts the p.Arg89 amino acid residue in OTX2. Other variant(s) that disrupt this residue have been observed in individuals with OTX2-related conditions (PMID: 15846561, 27299576), which suggests that this may be a clinically significant amino acid residue. Algorithms developed to predict the effect of missense changes on protein structure and function (SIFT, PolyPhen-2, Align-GVGD) all suggest that this variant is likely to be disruptive, but these predictions have not been confirmed by published functional studies and their clinical significance is uncertain. This variant has not been reported in the literature in individuals with OTX2-related conditions. This sequence change replaces arginine with glutamine at codon 89 of the OTX2 protein (p.Arg89Gln). The arginine residue is highly conserved and there is a small physicochemical difference between arginine and glutamine.

Literature cited by the submitters: PubMed 15846561; PubMed 27299576.

NM_021728.4(OTX2):c.290G>A (p.Arg97Gln)

Gene: OTX2 (orthodenticle homeobox 2; minus strand). Cytogenetic location: 14q22.3.
Variant type: single nucleotide variant.
Coding change: c.290G>A on transcript NM_021728.4 (MANE Select); coding-DNA position 290, G replaced by A.
Protein change: p.Arg97Gln; replaces arginine 97 with glutamine.
Molecular consequence: missense variant. On other transcripts: non-coding transcript variant (2).
Genome position (GRCh38, 1-based): chr14:56,802,339, C>T on the plus strand (G>A on the coding strand, the complement: OTX2 is on the minus strand). VCF-style: chr14-56802339-C-T. GRCh37 (hg19) VCF-style: chr14-57269057-C-T.
Other names: c.266G>A, p.Arg89Gln (NM_001270523.2, NM_001270524.2, NM_172337.3); c.290G>A, p.Arg97Gln (NM_001270525.2); short protein forms R97Q, R89Q.
Identifiers: ClinVar variation 1035259 (VCV001035259.9), dbSNP rs200990681, ClinGen allele CA7200510.